The following is an entry in ClinVar:

NM_000290.4(PGAM2):c.211del (p.Leu71fs)

Genes: DBNL (drebrin like; plus strand), PGAM2 (phosphoglycerate mutase 2; minus strand), LOC129998343 (ATAC-STARR-seq lymphoblastoid active region 25926; plus strand). Cytogenetic location: 7p13.
Variant type: Deletion.
Coding change: c.211del on transcript NM_000290.4 (MANE Select); coding-DNA position 211, one base deleted (C; older notation c.211delC).
Protein change: p.Leu71fs; shifts the reading frame from leucine 71.
Molecular consequence: frameshift variant. On other transcripts: 3 prime UTR variant (6).
Genome position (GRCh38, 1-based): chr7:44,065,319, G deleted on the plus strand (C on the coding strand, the reverse complement: PGAM2 is on the minus strand); the first of 2 consecutive G bases (chr7:44,065,319-44,065,320); deleting either gives the same sequence. VCF-style (leftmost placement, unchanged base first): chr7-44065318-AG-A. GRCh37 (hg19) VCF-style: chr7-44104917-AG-A.
Other names: c.*4404del (NM_001014436.3, NM_001122956.2, NM_001284313.2 and 3 more transcripts); short protein forms L71fs.
Identifiers: ClinVar variation 3616403 (VCV003616403.2).
Genomic context (GRCh38, chr7:44,065,318, plus strand): 5'-TGCCGCTCATTGAGGCGCCAAGTGCGCACCACAGGCAGCCACATCTGGTCCGTGCCGTCC[AG>A]GATGGCCCAGAGGGTGCGGATGGCCCGCTTCAGCACTGACGTGTAGCAGATGTCAAACTC-3'

ClinVar aggregate classification (germline): Pathogenic (1 of 4 stars; one submission).

Conditions:
Glycogen storage disease type X (GSD10). Also called: GSD X; MYOPATHY DUE TO PHOSPHOGLYCERATE MUTASE DEFICIENCY; PGAMM DEFICIENCY; PHOSPHOGLYCERATE MUTASE, MUSCLE, DEFICIENCY OF; Glycogen storage disease due to phosphoglycerate mutase deficiency; Dimauro disease. Identifiers: Orphanet 97234, MedGen C0268149, MONDO:0009865, OMIM 261670.

Submission:

Labcorp Genetics (formerly Invitae), Labcorp
Classification: Pathogenic for Glycogen storage disease type X. Last evaluated: 2024-04-13. Review status: criteria provided, single submitter. Criteria: Invitae Variant Classification Sherloc (09022015). Collection method: clinical testing. Allele origin: germline.
Comment: This sequence change creates a premature translational stop signal (p.Leu71Trpfs*42) in the PGAM2 gene. It is expected to result in an absent or disrupted protein product. Loss-of-function variants in PGAM2 are known to be pathogenic (PMID: 8447317, 19273759). This variant is present in population databases (no rsID available, gnomAD 0.006%). This variant has not been reported in the literature in individuals affected with PGAM2-related conditions. For these reasons, this variant has been classified as Pathogenic.

Literature cited by the submitters: PubMed 8447317; PubMed 19273759.